The following is an entry in ClinVar:

ClinVar aggregate classification (germline): Uncertain significance (1 of 4 stars; one submission).

Submission:

Labcorp Genetics (formerly Invitae), Labcorp
Classification: Uncertain significance. Last evaluated: 2024-11-04. Review status: criteria provided, single submitter. Criteria: Invitae Variant Classification Sherloc (09022015). Collection method: clinical testing. Allele origin: germline.
Comment: This sequence change replaces glycine, which is neutral and non-polar, with glutamic acid, which is acidic and polar, at codon 1960 of the SCN3A protein (p.Gly1960Glu). This variant is not present in population databases (gnomAD no frequency). This variant has not been reported in the literature in individuals affected with SCN3A-related conditions. Invitae Evidence Modeling of protein sequence and biophysical properties (such as structural, functional, and spatial information, amino acid conservation, physicochemical variation, residue mobility, and thermodynamic stability) indicates that this missense variant is not expected to disrupt SCN3A protein function with a negative predictive value of 95%. In summary, the available evidence is currently insufficient to determine the role of this variant in disease. Therefore, it has been classified as a Variant of Uncertain Significance.

NM_006922.4(SCN3A):c.5879G>A (p.Gly1960Glu)

Gene: SCN3A (sodium voltage-gated channel alpha subunit 3; minus strand). Cytogenetic location: 2q24.3.
Variant type: single nucleotide variant.
Coding change: c.5879G>A on transcript NM_006922.4 (MANE Select); coding-DNA position 5879, G replaced by A.
Protein change: p.Gly1960Glu; replaces glycine 1960 with glutamic acid.
Molecular consequence: missense variant.
Genome position (GRCh38, 1-based): chr2:165,090,274, C>T on the plus strand (G>A on the coding strand, the complement: SCN3A is on the minus strand). VCF-style: chr2-165090274-C-T. GRCh37 (hg19) VCF-style: chr2-165946784-C-T.
Other names: c.5732G>A, p.Gly1911Glu (NM_001081676.2, NM_001081677.2); short protein forms G1911E, G1960E.
Identifiers: ClinVar variation 3630296 (VCV003630296.2).
Genomic context (GRCh38, chr2:165,090,274, plus strand): 5'-TTTTCCTTGTCTGGTTTTGTTACACTATCATAGGAAGGAGGAGAGGTGGTAGAGGAACTC[C>T]CATCTGTTTTTTCTGGAGTGGAGTTCCCATTTAGTTTGTCAATAATCATGTCTTGTTTTA-3'
Protein context (NP_008853.3, residues 1950-1970): NGNSTPEKTD[Gly1960Glu]SSSTTSPPSY